The following is an entry in ClinVar:

NM_000051.4(ATM):c.8811G>A (p.Val2937=)

Genes: ATM (ATM serine/threonine kinase; plus strand), C11orf65 (chromosome 11 open reading frame 65; minus strand). Cytogenetic location: 11q22.3.
Variant type: single nucleotide variant.
Coding change: c.8811G>A on transcript NM_000051.4 (MANE Select); coding-DNA position 8811, G replaced by A.
Protein change: p.Val2937=; no amino-acid change (valine 2937 retained).
Molecular consequence: synonymous variant. On other transcripts: intron variant (2).
Genome position (GRCh38, 1-based): chr11:108,354,835, G>A. VCF-style: chr11-108354835-G-A. GRCh37 (hg19) VCF-style: chr11-108225562-G-A.
Other names: c.8811G>A, p.Val2937= (NM_001351834.2); c.640+31085C>T (NM_001330368.2); c.695-19543C>T (NM_001351110.2).
Identifiers: ClinVar variation 1135889 (VCV001135889.12), dbSNP rs1591314147, ClinGen allele CA476674085.

ClinVar aggregate classification (germline): Benign/Likely benign. Review status: criteria provided, multiple submitters, no conflicts (2 of 4 stars). 3 submissions from 3 submitters: Benign (1); Likely benign (2). Last evaluated 2024-06-21.

Conditions:
Familial cancer of breast. Also called: Hereditary breast cancer; hereditary breast carcinoma; BREAST CANCER, FAMILIAL. Identifiers: Orphanet 227535, MedGen C0346153, MONDO:0016419, OMIM 114480. Disease mechanism: loss of function.
Hereditary cancer-predisposing syndrome. Also called: Neoplastic Syndromes, Hereditary; Tumor predisposition; Hereditary Cancer Syndrome; Hereditary neoplastic syndrome. Identifiers: Orphanet 140162, MedGen C0027672, MeSH D009386, MONDO:0015356.
Ataxia-telangiectasia syndrome (AT). Also called: Ataxia telangiectasia (A-T); ATAXIA-TELANGIECTASIA, COMPLEMENTATION GROUP A; ATAXIA-TELANGIECTASIA, FRESNO VARIANT; Ataxia-telangiectasia; Ataxia-telangiectasia, complementation group E; LOUIS-BAR SYNDROME. Identifiers: Orphanet 100, MedGen C0004135, MONDO:0008840, OMIM 208900.

Submissions (3):

Myriad Genetics, Inc.
Classification: Benign for Familial cancer of breast. Last evaluated: 2024-06-21. Review status: criteria provided, single submitter. Criteria: Myriad Autosomal Dominant, Autosomal Recessive and X-Linked Classification Criteria (2023). Collection method: clinical testing. Allele origin: unknown.
Comment: This variant is considered benign. This variant is a silent/synonymous amino acid change and it is not expected to impact splicing.

Ambry Genetics
Classification: Likely benign for Hereditary cancer-predisposing syndrome. Last evaluated: 2021-10-10. Review status: criteria provided, single submitter. Criteria: Ambry Variant Classification Scheme 2023. Collection method: clinical testing. Allele origin: germline.

Labcorp Genetics (formerly Invitae), Labcorp
Classification: Likely benign for Ataxia-telangiectasia syndrome. Last evaluated: 2021-07-08. Review status: criteria provided, single submitter. Criteria: Invitae Variant Classification Sherloc (09022015). Collection method: clinical testing. Allele origin: germline.